The following is an entry in ClinVar:

ClinVar aggregate classification (germline): Uncertain significance (1 of 4 stars; one submission).

Conditions:
Retinitis pigmentosa 12 (RP12). Also called: RP WITH OR WITHOUT PPRPE; RP WITH OR WITHOUT PRESERVED PARAARTERIOLE RETINAL PIGMENT EPITHELIUM; RETINITIS PIGMENTOSA WITH OR WITHOUT PARAARTERIOLAR PRESERVATION OF RETINAL PIGMENT EPITHELIUM. Identifiers: Orphanet 791, MedGen C1838647, MONDO:0010818, OMIM 600105.
Leber congenital amaurosis 8 (LCA8). Identifiers: Orphanet 65, MedGen C3151202, MONDO:0013453, OMIM 613835.

Allele frequency attached by ClinVar (database versions not stated): gnomAD exomes 0.00001; gnomAD 0.00003; ExAC 0.00004; 1000 Genomes Project 0.00040; 1000 Genomes Project 30x 0.00047.

Submission:

Labcorp Genetics (formerly Invitae), Labcorp
Classification: Uncertain significance for Leber congenital amaurosis 8; Retinitis pigmentosa 12. Last evaluated: 2021-08-20. Review status: criteria provided, single submitter. Criteria: Invitae Variant Classification Sherloc (09022015). Collection method: clinical testing. Allele origin: germline.
Comment: This sequence change replaces glycine with arginine at codon 206 of the CRB1 protein (p.Gly206Arg). The glycine residue is highly conserved and there is a moderate physicochemical difference between glycine and arginine. This variant is present in population databases (rs186043558, ExAC 0.06%). This variant has not been reported in the literature in individuals affected with CRB1-related conditions. Algorithms developed to predict the effect of missense changes on protein structure and function (SIFT, PolyPhen-2, Align-GVGD) all suggest that this variant is likely to be disruptive. In summary, the available evidence is currently insufficient to determine the role of this variant in disease. Therefore, it has been classified as a Variant of Uncertain Significance.

NM_201253.3(CRB1):c.616G>A (p.Gly206Arg)

Gene: CRB1 (crumbs cell polarity complex component 1; plus strand). Cytogenetic location: 1q31.3.
Variant type: single nucleotide variant.
Coding change: c.616G>A on transcript NM_201253.3 (MANE Select); coding-DNA position 616, G replaced by A.
Protein change: p.Gly206Arg; replaces glycine 206 with arginine.
Molecular consequence: missense variant. On other transcripts: non-coding transcript variant (2).
Genome position (GRCh38, 1-based): chr1:197,328,967, G>A. VCF-style: chr1-197328967-G-A. GRCh37 (hg19) VCF-style: chr1-197298097-G-A.
Other names: c.616G>A, p.Gly206Arg (NM_001193640.2, NM_001257966.2); c.409G>A, p.Gly137Arg (NM_001257965.2); short protein forms G137R, G206R.
Identifiers: ClinVar variation 2050765 (VCV002050765.1), dbSNP rs186043558, ClinGen allele CA1311664.